The following is an entry in ClinVar:

ClinVar aggregate classification (germline): Benign/Likely benign. Review status: criteria provided, multiple submitters, no conflicts (2 of 4 stars). 2 submissions from 2 submitters: Benign (1); Likely benign (1). Last evaluated 2026-09-01.

Allele frequency attached by ClinVar (database versions not stated): ExAC 0.00033.
gnomAD v4.1: 102 of 1,610,994 alleles (0.0063%); highest among the groups gnomAD compares: Admixed American, 0.17%; no homozygotes.

Submissions (2):

CeGaT Center for Human Genetics Tuebingen
Classification: Likely benign. Last evaluated: 2026-09-01. Review status: criteria provided, single submitter. Criteria: CeGaT Center For Human Genetics Tuebingen Variant Classification Criteria Version 2. Collection method: clinical testing. Allele origin: germline. Affected: yes. Observed: 1 variant allele.
Comment: LAMA5: BP4, BP7

Labcorp Genetics (formerly Invitae), Labcorp
Classification: Benign. Last evaluated: 2025-08-10. Review status: criteria provided, single submitter. Criteria: Invitae Variant Classification Sherloc (09022015). Collection method: clinical testing. Allele origin: germline.

NM_005560.6(LAMA5):c.4020C>T (p.Cys1340=)

Gene: LAMA5 (laminin subunit alpha 5; minus strand). Cytogenetic location: 20q13.33.
Variant type: single nucleotide variant.
Coding change: c.4020C>T on transcript NM_005560.6 (MANE Select); coding-DNA position 4020, C replaced by T.
Protein change: p.Cys1340=; no amino-acid change (cysteine 1340 retained).
Molecular consequence: synonymous variant.
Genome position (GRCh38, 1-based): chr20:62,329,876, G>A on the plus strand (C>T on the coding strand, the complement: LAMA5 is on the minus strand). VCF-style: chr20-62329876-G-A. GRCh37 (hg19) VCF-style: chr20-60904932-G-A.
Identifiers: ClinVar variation 2080898 (VCV002080898.5), dbSNP rs759484480, ClinGen allele CA9942756.
Genomic context (GRCh38, chr20:62,329,876, plus strand): 5'-AGTGAGCTCGCTGTGGGTCACGTCCAGCAGGGCCTGGCCCTCACACACCACCAGGGTGCG[G>A]CAGCCGTAGCCATGTGGACAGAAGCTGGCGTTGGCGTGGCCTGGGCGGGGGAGAAAGGCA-3'
Protein context (NP_005551.3, residues 1330-1350): NASFCPHGYG[Cys1340=]RTLVVCEGQA